The following is an entry in ClinVar:

ClinVar aggregate classification (germline): Uncertain significance (1 of 4 stars; one submission).

Allele frequency attached by ClinVar (database versions not stated): gnomAD 0.00004 and 0.00005; TOPMed 0.00007; ESP Exome Variant Server 0.00008.
gnomAD v4.1: 37 of 1,440,082 alleles (0.0026%); highest among the groups gnomAD compares: African/African-American, 0.011%; no homozygotes.

Submission:

Labcorp Genetics (formerly Invitae), Labcorp
Classification: Uncertain significance. Last evaluated: 2021-11-24. Review status: criteria provided, single submitter. Criteria: Invitae Variant Classification Sherloc (09022015). Collection method: clinical testing. Allele origin: germline.
Comment: This sequence change falls in intron 33 of the CACNA1B gene. It does not directly change the encoded amino acid sequence of the CACNA1B protein. This variant is present in population databases (rs201059479, gnomAD 0.007%). This variant has not been reported in the literature in individuals affected with CACNA1B-related conditions. Algorithms developed to predict the effect of sequence changes on RNA splicing suggest that this variant may create or strengthen a splice site. In summary, the available evidence is currently insufficient to determine the role of this variant in disease. Therefore, it has been classified as a Variant of Uncertain Significance.

NM_000718.4(CACNA1B):c.4791+11C>T

Gene: CACNA1B (calcium voltage-gated channel subunit alpha1 B; plus strand). Cytogenetic location: 9q34.3.
Variant type: single nucleotide variant.
Coding change: c.4791+11C>T on transcript NM_000718.4 (MANE Select); 11 bases into the intron after coding-DNA position 4791, C replaced by T.
Molecular consequence: intron variant.
Genome position (GRCh38, 1-based): chr9:138,073,615, C>T. VCF-style: chr9-138073615-C-T. GRCh37 (hg19) VCF-style: chr9-140968067-C-T.
Other names: c.4791+11C>T (NM_001243812.2).
Identifiers: ClinVar variation 1478417 (VCV001478417.3), dbSNP rs201059479, ClinGen allele CA5377133.